The following is an entry in ClinVar:

NM_015557.3(CHD5):c.5656C>G (p.Pro1886Ala)

Gene: CHD5 (chromodomain helicase DNA binding protein 5; minus strand). Cytogenetic location: 1p36.31.
Variant type: single nucleotide variant.
Coding change: c.5656C>G on transcript NM_015557.3 (MANE Select); coding-DNA position 5656, C replaced by G.
Protein change: p.Pro1886Ala; replaces proline 1886 with alanine.
Molecular consequence: missense variant.
Genome position (GRCh38, 1-based): chr1:6,106,702, G>C on the plus strand (C>G on the coding strand, the complement: CHD5 is on the minus strand). VCF-style: chr1-6106702-G-C. GRCh37 (hg19) VCF-style: chr1-6166762-G-C.
Other names: short protein forms P1886A.
Identifiers: ClinVar variation 2571825 (VCV002571825.1), dbSNP rs991361795, ClinGen allele CA338063537.

ClinVar aggregate classification (germline): Uncertain significance (1 of 4 stars; one submission).

gnomAD v4.1: 2 of 1,611,924 alleles (0.00012%); highest among the groups gnomAD compares: South Asian, 0.0022%; no homozygotes.

Submission:

GeneDx
Classification: Uncertain significance. Last evaluated: 2022-12-21. Review status: criteria provided, single submitter. Criteria: GeneDx Variant Classification Process June 2021. Collection method: clinical testing. Allele origin: germline. Affected: yes.
Comment: Not observed at significant frequency in large population cohorts (gnomAD); In silico analysis supports that this missense variant has a deleterious effect on protein structure/function; Has not been previously published as pathogenic or benign to our knowledge